The following is an entry in ClinVar:

NM_001374353.1(GLI2):c.188C>T (p.Pro63Leu)

Gene: GLI2 (GLI family zinc finger 2; plus strand). Cytogenetic location: 2q14.2.
Variant type: single nucleotide variant.
Coding change: c.188C>T on transcript NM_001374353.1 (MANE Select); coding-DNA position 188, C replaced by T.
Protein change: p.Pro63Leu; replaces proline 63 with leucine.
Molecular consequence: missense variant. On other transcripts: intron variant (1).
Genome position (GRCh38, 1-based): chr2:120,927,400, C>T. VCF-style: chr2-120927400-C-T. GRCh37 (hg19) VCF-style: chr2-121684976-C-T.
Other names: c.188C>T, p.Pro63Leu (NM_001371271.1, NM_005270.5); c.-121-23843C>T (NM_001374354.1); short protein forms P63L.
Identifiers: ClinVar variation 4620863 (VCV004620863.1).

ClinVar aggregate classification (germline): Uncertain significance (1 of 4 stars; one submission).

Conditions:
Inborn genetic diseases. Identifiers: MedGen C0950123, MeSH D030342.

gnomAD v4.1: 31 of 1,614,026 alleles (0.0019%); highest among the groups gnomAD compares: African/African-American, 0.031%; no homozygotes.

Submission:

Ambry Genetics
Classification: Uncertain significance for Inborn genetic diseases. Last evaluated: 2025-10-29. Review status: criteria provided, single submitter. Criteria: Ambry Variant Classification Scheme 2023. Collection method: clinical testing. Allele origin: germline.
Comment: The c.188C>T (p.P63L) alteration is located in exon 2 (coding exon 2) of the GLI2 gene. This alteration results from a C to T substitution at nucleotide position 188, causing the proline (P) at amino acid position 63 to be replaced by a leucine (L). Based on data from gnomAD, the T allele has an overall frequency of 0.004% (12/282884) total alleles studied. The highest observed frequency was 0.032% (8/24966) of African alleles. Based on insufficient or conflicting evidence, the clinical significance of this alteration remains unclear.